The following is an entry in ClinVar:

NM_002715.4(PPP2CA):c.870C>G (p.Asp290Glu)

Gene: PPP2CA (protein phosphatase 2 catalytic subunit alpha; minus strand). Cytogenetic location: 5q31.1.
Variant type: single nucleotide variant.
Coding change: c.870C>G on transcript NM_002715.4 (MANE Select); coding-DNA position 870, C replaced by G.
Protein change: p.Asp290Glu; replaces aspartic acid 290 with glutamic acid.
Molecular consequence: missense variant. On other transcripts: non-coding transcript variant (1).
Genome position (GRCh38, 1-based): chr5:134,197,832, G>C on the plus strand (C>G on the coding strand, the complement: PPP2CA is on the minus strand). VCF-style: chr5-134197832-G-C. GRCh37 (hg19) VCF-style: chr5-133533523-G-C.
Other names: c.675C>G, p.Asp225Glu (NM_001355019.2); short protein forms D225E, D290E.
Identifiers: ClinVar variation 3608525 (VCV003608525.2).

ClinVar aggregate classification (germline): Uncertain significance (1 of 4 stars; one submission).

Submission:

Labcorp Genetics (formerly Invitae), Labcorp
Classification: Uncertain significance. Last evaluated: 2024-04-25. Review status: criteria provided, single submitter. Criteria: Invitae Variant Classification Sherloc (09022015). Collection method: clinical testing. Allele origin: germline.
Comment: This sequence change replaces aspartic acid, which is acidic and polar, with glutamic acid, which is acidic and polar, at codon 290 of the PPP2CA protein (p.Asp290Glu). This variant is not present in population databases (gnomAD no frequency). This variant has not been reported in the literature in individuals affected with PPP2CA-related conditions. Advanced modeling of protein sequence and biophysical properties (such as structural, functional, and spatial information, amino acid conservation, physicochemical variation, residue mobility, and thermodynamic stability) performed at Invitae indicates that this missense variant is not expected to disrupt PPP2CA protein function with a negative predictive value of 80%. In summary, the available evidence is currently insufficient to determine the role of this variant in disease. Therefore, it has been classified as a Variant of Uncertain Significance.